The following is an entry in ClinVar:

NM_024675.4(PALB2):c.3350+2C>G

Gene: PALB2 (partner and localizer of BRCA2; minus strand). Cytogenetic location: 16p12.2.
Variant type: single nucleotide variant.
Coding change: c.3350+2C>G on transcript NM_024675.4 (MANE Select); the canonical splice donor site of the intron after coding-DNA position 3350, C replaced by G.
Molecular consequence: splice donor variant. On other transcripts: intron variant (8).
Genome position (GRCh38, 1-based): chr16:23,607,862, G>C on the plus strand (C>G on the coding strand, the complement: PALB2 is on the minus strand). VCF-style: chr16-23607862-G-C. GRCh37 (hg19) VCF-style: chr16-23619183-G-C.
Other names: c.2229-4193C>G (NM_001407308.1, NM_001407309.1); c.2465+2C>G (NM_001407306.1, NM_001407305.1, NM_001407304.1); c.884+2C>G (NM_001407314.1); c.1414-4193C>G (NM_001407313.1); c.1562+2C>G (NM_001407312.1); c.3290+2C>G (NM_001407296.1); c.3278+2C>G (NM_001407297.1); c.3040-4193C>G (NM_001407302.1); and 6 more.
Identifiers: ClinVar variation 492218 (VCV000492218.22), dbSNP rs1555458171, ClinGen allele CA395139182.

ClinVar aggregate classification (germline): Likely pathogenic. Review status: criteria provided, multiple submitters, no conflicts (2 of 4 stars). 5 submissions from 5 submitters: Likely pathogenic (5). Last evaluated 2025-12-16.

Conditions:
Hereditary cancer-predisposing syndrome. Also called: Tumor predisposition; Hereditary Cancer Syndrome; Neoplastic Syndromes, Hereditary; Hereditary neoplastic syndrome. Identifiers: Orphanet 140162, MedGen C0027672, MeSH D009386, MONDO:0015356.
Familial cancer of breast. Also called: Hereditary breast cancer; BREAST CANCER, FAMILIAL; hereditary breast carcinoma. Identifiers: Orphanet 227535, MedGen C0346153, MONDO:0016419, OMIM 114480. Disease mechanism: loss of function.

Submissions (5):

Ambry Genetics
Classification: Likely pathogenic for Hereditary cancer-predisposing syndrome. Last evaluated: 2025-12-16. Review status: criteria provided, single submitter. Criteria: Ambry Variant Classification Scheme 2023. Collection method: clinical testing. Allele origin: germline.
Comment: The c.3350+2C>G intronic variant results from a C to G substitution two nucleotide(s) after coding exon 12 of the PALB2 gene. This nucleotide position is well conserved in available vertebrate species. Another alteration impacting the same donor site (c.3350+5G>A), with the same in silico splicing predictions, has been detected in the homozygous state in an individual with Fanconi Anemia features, and RNA analysis showed skipping of coding exon 12 (Mori M et al. Haematologica. 2019 Oct;104:1962-1973). In silico splice site analysis for this alteration is inconclusive; however, alterations that disrupt the canonical splice site are expected to cause aberrant splicing, resulting in an abnormal protein or a transcript that is subject to nonsense-mediated mRNA decay. As such, this alteration is classified as likely pathogenic.

Labcorp Genetics (formerly Invitae), Labcorp
Classification: Likely pathogenic for Familial cancer of breast. Last evaluated: 2025-07-31. Review status: criteria provided, single submitter. Criteria: Invitae Variant Classification Sherloc (09022015). Collection method: clinical testing. Allele origin: germline.
Comment: This sequence change affects a donor splice site in intron 12 of the PALB2 gene. RNA analysis indicates that disruption of this splice site induces altered splicing and likely disrupts the C-terminus of the protein. This variant is not present in population databases (gnomAD no frequency). This variant has not been reported in the literature in individuals affected with PALB2-related conditions. ClinVar contains an entry for this variant (Variation ID: 492218). Variants that disrupt the consensus splice site are a relatively common cause of aberrant splicing (PMID: 17576681, 9536098). Studies have shown that disruption of this splice site results in skipping of exon 12 and introduces a new termination codon (PMID: 30890586). However the mRNA is not expected to undergo nonsense-mediated decay. This variant disrupts the WD40-like repeats of the PALB2 protein, which are required for interactions with the BRCA2, POLH, and RAD51C proteins (PMID: 24141787, 24485656). While functional studies have not been performed to directly test the effect of this variant on PALB2 protein function, this suggests that disruption of this region of the protein is causative of disease. In summary, the currently available evidence indicates that the variant is pathogenic, but additional data are needed to prove that conclusively. Therefore, this variant has been classified as Likely Pathogenic.

Baylor Genetics
Classification: Likely pathogenic for Familial cancer of breast. Last evaluated: 2024-02-29. Review status: criteria provided, single submitter. Criteria: ACMG Guidelines, 2015. Collection method: clinical testing. Allele origin: unknown.

Myriad Genetics, Inc.
Classification: Likely pathogenic for Familial cancer of breast. Last evaluated: 2023-09-15. Review status: criteria provided, single submitter. Criteria: Myriad Autosomal Dominant, Autosomal Recessive and X-Linked Classification Criteria (2023). Collection method: clinical testing. Allele origin: unknown.
Comment: This variant is considered likely pathogenic. This variant occurs within a consensus splice junction and is predicted to result in abnormal mRNA splicing of either an out-of-frame exon or an in-frame exon necessary for protein stability and/or normal function.

Color Diagnostics, LLC DBA Color Health
Classification: Likely pathogenic for Hereditary cancer-predisposing syndrome. Last evaluated: 2020-10-20. Review status: criteria provided, single submitter. Criteria: ACMG Guidelines, 2015. Collection method: clinical testing. Allele origin: germline.
Comment: This variant causes a C to G nucleotide substitution at the +2 position of intron 12 of the PALB2 gene. Splice site prediction tool predicts that this variant may have a significant impact on RNA splicing. Although this prediction has not been confirmed in published RNA studies, this variant is expected to result in an absent or disrupted protein product. This variant has not been reported in individuals affected with hereditary cancer in the literature. This variant has not been identified in the general population by the Genome Aggregation Database (gnomAD). Loss of PALB2 function is a known mechanism of disease. Based on the available evidence, this variant is classified as Likely Pathogenic.

Literature cited by the submitters: PubMed 17576681 (cited by Labcorp Genetics (formerly Invitae), Labcorp); PubMed 9536098 (cited by Labcorp Genetics (formerly Invitae), Labcorp); PubMed 30890586 (cited by Labcorp Genetics (formerly Invitae), Labcorp); PubMed 24141787 (cited by Labcorp Genetics (formerly Invitae), Labcorp); PubMed 24485656 (cited by Labcorp Genetics (formerly Invitae), Labcorp).